The following is an entry in ClinVar:

NM_001258392.3(CLPB):c.967G>A (p.Ala323Thr)

Gene: CLPB (ClpB family mitochondrial disaggregase; minus strand). Cytogenetic location: 11q13.4.
Variant type: single nucleotide variant.
Coding change: c.967G>A on transcript NM_001258392.3 (MANE Select); coding-DNA position 967, G replaced by A.
Protein change: p.Ala323Thr; replaces alanine 323 with threonine.
Molecular consequence: missense variant.
Genome position (GRCh38, 1-based): chr11:72,317,127, C>T on the plus strand (G>A on the coding strand, the complement: CLPB is on the minus strand). VCF-style: chr11-72317127-C-T. GRCh37 (hg19) VCF-style: chr11-72028171-C-T.
Other names: c.1057G>A (NM_030813.5); c.880G>A, p.Ala294Thr (NM_001258393.3); c.922G>A, p.Ala308Thr (NM_001258394.3); c.1057G>A, p.Ala353Thr (NM_030813.6); short protein forms A308T, A323T, A353T, A294T.
Identifiers: ClinVar variation 1377402 (VCV001377402.23), dbSNP rs759050719, ClinGen allele CA6171318.

ClinVar aggregate classification (germline): Uncertain significance. Review status: criteria provided, multiple submitters, no conflicts (2 of 4 stars). 3 submissions from 3 submitters: Uncertain significance (3). Last evaluated 2026-07-30.

Conditions:
3-methylglutaconic aciduria, type VIIB (MGCA7B). Also called: 3-methylglutaconic aciduria, type VII, with cataracts, neurologic involvement and neutropenia; CLPB Deficiency; 3-methylglutaconic aciduria with cataracts, neurologic involvement and neutropenia. Identifiers: Orphanet 445038, MedGen C5676893, MONDO:0014561, OMIM 616271.
CLPB-related disorder. Also called: CLPB-related condition.

Allele frequency attached by ClinVar (database versions not stated): gnomAD 0.00001; gnomAD exomes 0.00001; ExAC 0.00002; TOPMed 0.00002.
gnomAD v4.1: 14 of 1,610,982 alleles (0.00087%); highest among the groups gnomAD compares: Admixed American, 0.0017%; no homozygotes.

Submissions (3):

PreventionGenetics, part of Exact Sciences
Classification: Uncertain significance for CLPB-related condition. Last evaluated: 2026-07-30. Review status: criteria provided, single submitter. Criteria: ACMG Guidelines, 2015. Collection method: clinical testing. Allele origin: germline.
Comment: The CLPB c.1057G>A variant is predicted to result in the amino acid substitution p.Ala353Thr. To our knowledge, this variant has not been reported in the literature. This variant is reported in 0.0066% of alleles in individuals of South Asian descent in gnomAD. At this time, the clinical significance of this variant is uncertain due to the absence of conclusive functional and genetic evidence.

Labcorp Genetics (formerly Invitae), Labcorp
Classification: Uncertain significance for 3-methylglutaconic aciduria, type VIIB. Last evaluated: 2025-07-04. Review status: criteria provided, single submitter. Criteria: Invitae Variant Classification Sherloc (09022015). Collection method: clinical testing. Allele origin: germline.
Comment: This sequence change replaces alanine, which is neutral and non-polar, with threonine, which is neutral and polar, at codon 353 of the CLPB protein (p.Ala353Thr). The frequency data for this variant in the population databases is considered unreliable, as metrics indicate poor data quality at this position in the gnomAD database. This variant has not been reported in the literature in individuals affected with CLPB-related conditions. ClinVar contains an entry for this variant (Variation ID: 1377402). An algorithm developed to predict the effect of missense changes on protein structure and function (PolyPhen-2) suggests that this variant is likely to be disruptive. In summary, the available evidence is currently insufficient to determine the role of this variant in disease. Therefore, it has been classified as a Variant of Uncertain Significance.

CeGaT Center for Human Genetics Tuebingen
Classification: Uncertain significance. Last evaluated: 2024-09-01. Review status: criteria provided, single submitter. Criteria: CeGaT Center For Human Genetics Tuebingen Variant Classification Criteria Version 2. Collection method: clinical testing. Allele origin: germline. Affected: yes. Observed: 1 variant allele.